The following is an entry in ClinVar:

ClinVar aggregate classification (germline): Pathogenic (1 of 4 stars; one submission).

Conditions:
Familial cancer of breast. Also called: Hereditary breast cancer; BREAST CANCER, FAMILIAL; hereditary breast carcinoma. Identifiers: Orphanet 227535, MedGen C0346153, MONDO:0016419, OMIM 114480. Disease mechanism: loss of function.

Submission:

Myriad Genetics, Inc.
Classification: Pathogenic for Familial cancer of breast. Last evaluated: 2023-06-05. Review status: criteria provided, single submitter. Criteria: Myriad Autosomal Dominant, Autosomal Recessive and X-Linked Classification Criteria (2023). Collection method: clinical testing. Allele origin: unknown.
Comment: This variant is considered pathogenic. This variant creates a frameshift predicted to result in premature protein truncation.

NM_032043.3(BRIP1):c.2045_2046del (p.Ser682fs)

Gene: BRIP1 (BRCA1 interacting DNA helicase 1; minus strand). Cytogenetic location: 17q23.2.
Variant type: Deletion.
Coding change: c.2045_2046del on transcript NM_032043.3 (MANE Select); coding-DNA positions 2045 to 2046, 2 bases deleted (CT; older notation c.2045_2046delCT).
Protein change: p.Ser682fs; shifts the reading frame from serine 682.
Molecular consequence: frameshift variant.
Genome position (GRCh38, 1-based): chr17:61,776,452-61,776,453, AG deleted on the plus strand (CT on the coding strand, the reverse complement: BRIP1 is on the minus strand); deleting any 2 consecutive bases within chr17:61,776,452-61,776,454 gives the same sequence; the c. name uses the placement nearest the transcript's 3' end. VCF-style (leftmost placement, unchanged base first): chr17-61776451-CAG-C. GRCh37 (hg19) VCF-style: chr17-59853812-CAG-C.
Other names: short protein forms S682fs.
Identifiers: ClinVar variation 2583457 (VCV002583457.2), dbSNP rs2544997208, ClinGen allele CA2582342268.
Genomic context (GRCh38, chr17:61,776,451, plus strand): 5'-ATTCCCTTACCTTGTAAGATGGCAAGAAACACAAAATTCCTTGGCTCACAGTCTGGCACA[CAG>C]ATAACAAAAGTGCTCCCACTTCATCTTGGAACTCAAATGTTTCAGTATTCTGGAAGGTAG-3'